The following is an entry in ClinVar:

ClinVar aggregate classification (germline): Uncertain significance (1 of 4 stars; one submission).

Submission:

Center for Pediatric Genomic Medicine, Children's Mercy Hospital and Clinics
Classification: Uncertain significance. Last evaluated: 2016-04-29. Review status: criteria provided, single submitter. Criteria: ACMG Guidelines, 2015. Collection method: clinical testing. Allele origin: germline.
ClinVar note: Converted during submission from Uncertain Significance to Uncertain significance.

NM_001083614.2(EARS2):c.809A>G (p.His270Arg)

Gene: EARS2 (glutamyl-tRNA synthetase 2, mitochondrial; minus strand). Cytogenetic location: 16p12.2.
Variant type: single nucleotide variant.
Coding change: c.809A>G on transcript NM_001083614.2 (MANE Select); coding-DNA position 809, A replaced by G.
Protein change: p.His270Arg; replaces histidine 270 with arginine.
Molecular consequence: missense variant. On other transcripts: non-coding transcript variant (1).
Genome position (GRCh38, 1-based): chr16:23,535,037, T>C on the plus strand (A>G on the coding strand, the complement: EARS2 is on the minus strand). VCF-style: chr16-23535037-T-C. GRCh37 (hg19) VCF-style: chr16-23546358-T-C.
Other names: c.809A>G, p.His270Arg (NM_001308211.1); short protein forms H270R.
Identifiers: ClinVar variation 235344 (VCV000235344.3), dbSNP rs878853014, ClinGen allele CA10581281.